The following is an entry in ClinVar:

ClinVar aggregate classification (germline): Conflicting classifications of pathogenicity. Review status: criteria provided, conflicting classifications (1 of 4 stars). 2 submissions from 2 submitters: Uncertain significance (1); Likely benign (1). Last evaluated 2024-02-17.

Conditions:
5-Oxoprolinase deficiency (OPLAHD). Also called: 5-OXOPROLINURIA DUE TO 5-OXOPROLINASE DEFICIENCY. Identifiers: Orphanet 33572, MedGen C0268525, MONDO:0009825, OMIM 260005, HP:0040142.

Allele frequency attached by ClinVar (database versions not stated): gnomAD exomes below 0.00001; TOPMed 0.00002.
gnomAD v4.1: 2 of 1,605,832 alleles (0.00012%); highest among the groups gnomAD compares: East Asian, 0.0022%; no homozygotes.

Submissions (2):

Labcorp Genetics (formerly Invitae), Labcorp
Classification: Likely benign for 5-Oxoprolinase deficiency. Last evaluated: 2024-02-17. Review status: criteria provided, single submitter. Criteria: Invitae Variant Classification Sherloc (09022015). Collection method: clinical testing. Allele origin: germline.

Laboratorio de Genetica e Diagnostico Molecular, Hospital Israelita Albert Einstein
Classification: Uncertain significance for 5-Oxoprolinase deficiency. Last evaluated: 2023-11-24. Review status: criteria provided, single submitter. Criteria: ACMG Guidelines, 2015. Collection method: clinical testing. Allele origin: germline. Affected: yes.
Comment: ACMG classification criteria: PM2 moderate

NM_017570.5(OPLAH):c.1971C>T (p.Pro657=)

Gene: OPLAH (5-oxoprolinase, ATP-hydrolysing; minus strand). Cytogenetic location: 8q24.3.
Variant type: single nucleotide variant.
Coding change: c.1971C>T on transcript NM_017570.5 (MANE Select); coding-DNA position 1971, C replaced by T.
Protein change: p.Pro657=; no amino-acid change (proline 657 retained).
Molecular consequence: synonymous variant.
Genome position (GRCh38, 1-based): chr8:144,056,397, G>A on the plus strand (C>T on the coding strand, the complement: OPLAH is on the minus strand). VCF-style: chr8-144056397-G-A. GRCh37 (hg19) VCF-style: chr8-145111300-G-A.
Identifiers: ClinVar variation 1911947 (VCV001911947.6), dbSNP rs1373642781, ClinGen allele CA463539303.